The following is an entry in ClinVar:

ClinVar aggregate classification (germline): Likely pathogenic (1 of 4 stars; one submission).

Conditions:
Stargardt disease 4 (STGD4). Identifiers: Orphanet 827, MedGen C1863534, MONDO:0011370, OMIM 603786.
Retinal macular dystrophy type 2 (MCDR2). Also called: Bull's eye macular dystrophy. Identifiers: Orphanet 319640, MedGen C4749334, MONDO:0011957, OMIM 608051.
Cone-rod dystrophy 12 (CORD12). Identifiers: Orphanet 1872, MedGen C2675210, MONDO:0012983, OMIM 612657.

Submission:

Diagnostics Services (NGS), CSIR - Centre For Cellular And Molecular Biology
Classification: Likely pathogenic for Retinal macular dystrophy type 2; Stargardt disease 4; Cone-rod dystrophy 12. Last evaluated: 2024-05-31. Review status: criteria provided, single submitter. Criteria: ACMG Guidelines, 2015. Collection method: clinical testing. Allele origin: unknown. Affected: yes. Observed: 1 variant allele, 1 heterozygote.
Comment: The c.1984-1G>A variant is not present in 1000 Genomes, gnomAD, EVS, ExAC, Indian Exome Database or our in-house exome database. This variant has neither been published in literature with OPA1-related conditions nor reported to the clinical databases like HGMD, ClinVar or OMIM, in any affected individuals. Algorithms developed to predict the effect of sequence changes on RNA splicing suggest that this variant can disrupt the consensus splice site. In-silico pathogenicity prediction programs like MutationTaster2, CADD, Varsome, Franklin etc predicted this variant to be likely deleterious, however these predictions were not confirmed by published functional/translational studies.

NM_006017.3(PROM1):c.1984-1G>A

Gene: PROM1 (prominin 1; minus strand). Cytogenetic location: 4p15.32.
Variant type: single nucleotide variant.
Coding change: c.1984-1G>A on transcript NM_006017.3 (MANE Select); the canonical splice acceptor site of the intron before coding-DNA position 1984, G replaced by A.
Molecular consequence: splice acceptor variant.
Genome position (GRCh38, 1-based): chr4:15,989,825, C>T on the plus strand (G>A on the coding strand, the complement: PROM1 is on the minus strand). VCF-style: chr4-15989825-C-T. GRCh37 (hg19) VCF-style: chr4-15991448-C-T.
Other names: c.1957-1G>A (NM_001145848.2, NM_001145852.2, NM_001145847.2 and 4 more transcripts); c.1984-1G>A (NM_001145850.2, NM_001145849.2).
Identifiers: ClinVar variation 3251979 (VCV003251979.1), dbSNP rs373680665.